The following is an entry in ClinVar:

ClinVar aggregate classification (germline): Uncertain significance. Review status: criteria provided, multiple submitters, no conflicts (2 of 4 stars). 2 submissions from 2 submitters: Uncertain significance (2). Last evaluated 2023-01-23.

Allele frequency attached by ClinVar (database versions not stated): 1000 Genomes Project 30x 0.00016; 1000 Genomes Project 0.00020.
gnomAD v4.1: 89 of 1,614,140 alleles (0.0055%); highest among the groups gnomAD compares: South Asian, 0.036%; no homozygotes.

Submissions (2):

Blueprint Genetics
Classification: Uncertain significance. Last evaluated: 2023-01-23. Review status: criteria provided, single submitter. Criteria: ACMG Guidelines, 2015. Collection method: clinical testing. Allele origin: germline.

Labcorp Genetics (formerly Invitae), Labcorp
Classification: Uncertain significance. Last evaluated: 2022-05-30. Review status: criteria provided, single submitter. Criteria: Invitae Variant Classification Sherloc (09022015). Collection method: clinical testing. Allele origin: germline.
Comment: This sequence change replaces arginine, which is basic and polar, with glutamine, which is neutral and polar, at codon 1041 of the CNGB1 protein (p.Arg1041Gln). In summary, the available evidence is currently insufficient to determine the role of this variant in disease. Therefore, it has been classified as a Variant of Uncertain Significance. Advanced modeling of protein sequence and biophysical properties (such as structural, functional, and spatial information, amino acid conservation, physicochemical variation, residue mobility, and thermodynamic stability) performed at Invitae indicates that this missense variant is expected to disrupt CNGB1 protein function. ClinVar contains an entry for this variant (Variation ID: 1057410). This variant has not been reported in the literature in individuals affected with CNGB1-related conditions. This variant is present in population databases (rs192178968, gnomAD 0.04%).

NM_001297.5(CNGB1):c.3122G>A (p.Arg1041Gln)

Gene: CNGB1 (cyclic nucleotide gated channel subunit beta 1; minus strand). Cytogenetic location: 16q21.
Variant type: single nucleotide variant.
Coding change: c.3122G>A on transcript NM_001297.5 (MANE Select); coding-DNA position 3122, G replaced by A.
Protein change: p.Arg1041Gln; replaces arginine 1041 with glutamine.
Molecular consequence: missense variant.
Genome position (GRCh38, 1-based): chr16:57,897,517, C>T on the plus strand (G>A on the coding strand, the complement: CNGB1 is on the minus strand). VCF-style: chr16-57897517-C-T. GRCh37 (hg19) VCF-style: chr16-57931421-C-T.
Other names: c.3104G>A, p.Arg1035Gln (NM_001286130.2); short protein forms R1035Q, R1041Q.
Identifiers: ClinVar variation 1057410 (VCV001057410.9), dbSNP rs192178968, ClinGen allele CA8082667.
Genomic context (GRCh38, chr16:57,897,517, plus strand): 5'-TCCTTCTTATCCAGGATGAAGAGGTTGGTAAACCCGTGCGCCACCACGTTGGCCGTGCGC[C>T]GGTTCCCGCCCCCAACAGCCAGCAAGCTGGGGCAGAGAAGGGAGGAAGGAGGCCCTTCAG-3'
Protein context (NP_001288.3, residues 1031-1051): ISLLAVGGGN[Arg1041Gln]RTANVVAHGF